The following is an entry in ClinVar:

NM_004453.4(ETFDH):c.1066G>A (p.Gly356Arg)

Gene: ETFDH (electron transfer flavoprotein dehydrogenase; plus strand). Cytogenetic location: 4q32.1.
Variant type: single nucleotide variant.
Coding change: c.1066G>A on transcript NM_004453.4 (MANE Select); coding-DNA position 1066, G replaced by A.
Protein change: p.Gly356Arg; replaces glycine 356 with arginine.
Molecular consequence: missense variant.
Genome position (GRCh38, 1-based): chr4:158,699,080, G>A. VCF-style: chr4-158699080-G-A. GRCh37 (hg19) VCF-style: chr4-159620232-G-A.
Other names: c.925G>A, p.Gly309Arg (NM_001281737.2); c.883G>A, p.Gly295Arg (NM_001281738.1); short protein forms G356R, G309R, G295R.
Identifiers: ClinVar variation 1482754 (VCV001482754.10), dbSNP rs2150312288, ClinGen allele CA358562260.

ClinVar aggregate classification (germline): Conflicting classifications of pathogenicity. Review status: criteria provided, conflicting classifications (1 of 4 stars). 2 submissions from 2 submitters: Likely pathogenic (1); Uncertain significance (1). Last evaluated 2025-04-17.

Conditions:
Multiple acyl-CoA dehydrogenase deficiency (MADD). Also called: Glutaric aciduria, type 2; ETHYLMALONIC-ADIPICACIDURIA; GA II; Glutaric Acidemia type 2; Glutaric acidemia type II; GA 2. Identifiers: Orphanet 26791, MedGen C0268596, MONDO:0009282, OMIM 231680.

Submissions (2):

Women's Health and Genetics/Laboratory Corporation of America, LabCorp
Classification: Uncertain significance. Last evaluated: 2025-04-17. Review status: criteria provided, single submitter. Criteria: LabCorp Variant Classification Summary - May 2015. Collection method: clinical testing. Allele origin: germline.
Comment: Variant summary: ETFDH c.1066G>A (p.Gly356Arg) results in a non-conservative amino acid change in the encoded protein sequence. Five of five in-silico tools predict a damaging effect of the variant on protein function. The variant was absent in 251388 control chromosomes. The available data on variant occurrences in the general population are insufficient to allow any conclusion about variant significance. To our knowledge, no occurrence of c.1066G>A in individuals affected with Glutaric Aciduria, Type 2c and no experimental evidence demonstrating its impact on protein function have been reported. ClinVar contains an entry for this variant (Variation ID: 1482754). Based on the evidence outlined above, the variant was classified as uncertain significance.

Labcorp Genetics (formerly Invitae), Labcorp
Classification: Likely pathogenic for Multiple acyl-CoA dehydrogenase deficiency. Last evaluated: 2021-02-03. Review status: criteria provided, single submitter. Criteria: Invitae Variant Classification Sherloc (09022015). Collection method: clinical testing. Allele origin: germline.
Comment: This variant has not been reported in the literature in individuals with ETFDH-related conditions. This variant is not present in population databases (ExAC no frequency). This sequence change replaces glycine with arginine at codon 356 of the ETFDH protein (p.Gly356Arg). The glycine residue is highly conserved and there is a moderate physicochemical difference between glycine and arginine. Advanced modeling of protein sequence and biophysical properties (such as structural, functional, and spatial information, amino acid conservation, physicochemical variation, residue mobility, and thermodynamic stability) performed at Invitae indicates that this missense variant is expected to disrupt ETFDH protein function. In summary, the currently available evidence indicates that the variant is pathogenic, but additional data are needed to prove that conclusively. Therefore, this variant has been classified as Likely Pathogenic. This variant disrupts the p.Gly356 amino acid residue in ETFDH. Other variant(s) that disrupt this residue have been determined to be pathogenic (PMID: 29249369). This suggests that this residue is clinically significant, and that variants that disrupt this residue are likely to be disease-causing.

Literature cited by the submitters: PubMed 29249369 (cited by Labcorp Genetics (formerly Invitae), Labcorp).